The following is an entry in ClinVar:

NM_001130144.3(LTBP3):c.751G>A (p.Glu251Lys)

Gene: LTBP3 (latent transforming growth factor beta binding protein 3; minus strand). Cytogenetic location: 11q13.1.
Variant type: single nucleotide variant.
Coding change: c.751G>A on transcript NM_001130144.3 (MANE Select); coding-DNA position 751, G replaced by A.
Protein change: p.Glu251Lys; replaces glutamic acid 251 with lysine.
Molecular consequence: missense variant.
Genome position (GRCh38, 1-based): chr11:65,553,814, C>T on the plus strand (G>A on the coding strand, the complement: LTBP3 is on the minus strand). VCF-style: chr11-65553814-C-T. GRCh37 (hg19) VCF-style: chr11-65321285-C-T.
Other names: c.400G>A, p.Glu134Lys (NM_001164266.1); c.751G>A, p.Glu251Lys (NM_021070.4); short protein forms E251K, E134K.
Identifiers: ClinVar variation 571639 (VCV000571639.35), dbSNP rs752311785, ClinGen allele CA6101165.

ClinVar aggregate classification (germline): Uncertain significance. Review status: criteria provided, multiple submitters, no conflicts (2 of 4 stars). 5 submissions from 5 submitters: Uncertain significance (5). Last evaluated 2026-01-31.

Conditions:
Inborn genetic diseases. Identifiers: MedGen C0950123, MeSH D030342.
Brachyolmia-amelogenesis imperfecta syndrome. Also called: PLATYSPONDYLY WITH AMELOGENESIS IMPERFECTA; Tooth agenesis, selective, 6; Dental anomalies and short stature. Identifiers: Orphanet 2899, MedGen C1832594, MONDO:0011018, OMIM 601216. Disease mechanism: loss of function.

Allele frequency attached by ClinVar (database versions not stated): gnomAD exomes 0.00010 and 0.00018; gnomAD 0.00012 and 0.00013; TOPMed 0.00012; ExAC 0.00018.
gnomAD v4.1: 267 of 1,561,526 alleles (0.017%); highest among the groups gnomAD compares: Non-Finnish European, 0.022%; no homozygotes.

Submissions (5):

Labcorp Genetics (formerly Invitae), Labcorp
Classification: Uncertain significance for Brachyolmia-amelogenesis imperfecta syndrome. Last evaluated: 2026-01-31. Review status: criteria provided, single submitter. Criteria: Invitae Variant Classification Sherloc (09022015). Collection method: clinical testing. Allele origin: germline.
Comment: This sequence change replaces glutamic acid, which is acidic and polar, with lysine, which is basic and polar, at codon 251 of the LTBP3 protein (p.Glu251Lys). This variant is present in population databases (rs752311785, gnomAD 0.02%). This variant has not been reported in the literature in individuals affected with LTBP3-related conditions. ClinVar contains an entry for this variant (Variation ID: 571639). An algorithm developed to predict the effect of missense changes on protein structure and function (PolyPhen-2) suggests that this variant is likely to be disruptive. In summary, the available evidence is currently insufficient to determine the role of this variant in disease. Therefore, it has been classified as a Variant of Uncertain Significance.

Blueprint Genetics
Classification: Uncertain significance. Last evaluated: 2024-10-03. Review status: criteria provided, single submitter. Criteria: ACMG Guidelines, 2015. Collection method: clinical testing. Allele origin: germline.

GeneDx
Classification: Uncertain significance. Last evaluated: 2024-04-16. Review status: criteria provided, single submitter. Criteria: GeneDx Variant Classification Process June 2021. Collection method: clinical testing. Allele origin: germline. Affected: yes.
Comment: In silico analysis indicates that this missense variant does not alter protein structure/function; Has not been previously published as pathogenic or benign to our knowledge

Ambry Genetics
Classification: Uncertain significance for Inborn genetic diseases. Last evaluated: 2022-11-17. Review status: criteria provided, single submitter. Criteria: Ambry Variant Classification Scheme 2023. Collection method: clinical testing. Allele origin: germline.

CeGaT Center for Human Genetics Tuebingen
Classification: Uncertain significance. Last evaluated: 2022-07-01. Review status: criteria provided, single submitter. Criteria: CeGaT Center For Human Genetics Tuebingen Variant Classification Criteria Version 2. Collection method: clinical testing. Allele origin: germline. Affected: yes. Observed: 1 variant allele.